The following is an entry in ClinVar:

ClinVar aggregate classification (germline): Uncertain significance (1 of 4 stars; one submission).

Conditions:
Aortic aneurysm, familial thoracic 6 (AAT6). Also called: FAMILIAL THORACIC AORTIC ANEURYSM WITH LIVEDO RETICULARIS AND IRIS FLOCCULI. Identifiers: MedGen C2673186, MONDO:0012730, OMIM 611788.

Submission:

Labcorp Genetics (formerly Invitae), Labcorp
Classification: Uncertain significance for Aortic aneurysm, familial thoracic 6. Last evaluated: 2023-11-14. Review status: criteria provided, single submitter. Criteria: Invitae Variant Classification Sherloc (09022015). Collection method: clinical testing. Allele origin: germline.
Comment: This sequence change replaces serine, which is neutral and polar, with tyrosine, which is neutral and polar, at codon 237 of the ACTA2 protein (p.Ser237Tyr). This variant is not present in population databases (gnomAD no frequency). This variant has not been reported in the literature in individuals affected with ACTA2-related conditions. Advanced modeling of protein sequence and biophysical properties (such as structural, functional, and spatial information, amino acid conservation, physicochemical variation, residue mobility, and thermodynamic stability) performed at Invitae indicates that this missense variant is not expected to disrupt ACTA2 protein function with a negative predictive value of 80%. In summary, the available evidence is currently insufficient to determine the role of this variant in disease. Therefore, it has been classified as a Variant of Uncertain Significance.

NM_001613.4(ACTA2):c.710C>A (p.Ser237Tyr)

Genes: ACTA2 (actin alpha 2, smooth muscle; minus strand), ACTA2-AS1 (ACTA2 antisense RNA 1; plus strand). Cytogenetic location: 10q23.31.
Variant type: single nucleotide variant.
Coding change: c.710C>A on transcript NM_001613.4 (MANE Select); coding-DNA position 710, C replaced by A.
Protein change: p.Ser237Tyr; replaces serine 237 with tyrosine.
Molecular consequence: missense variant. On other transcripts: non-coding transcript variant (1), intron variant (1).
Genome position (GRCh38, 1-based): chr10:88,939,605, G>T on the plus strand (C>A on the coding strand, the complement: ACTA2 is on the minus strand). VCF-style: chr10-88939605-G-T. GRCh37 (hg19) VCF-style: chr10-90699362-G-T.
Other names: c.710C>A, p.Ser237Tyr (NM_001141945.3, NM_001320855.2, NM_001406462.1 and 2 more transcripts); c.599C>A, p.Ser200Tyr (NM_001406466.1); c.581C>A, p.Ser194Tyr (NM_001406467.1, NM_001406468.1, NM_001406469.1); c.617-1363C>A (NM_001406471.1); short protein forms S194Y, S200Y, S237Y.
Identifiers: ClinVar variation 2818211 (VCV002818211.3), dbSNP rs2494528432, ClinGen allele CA377511351.
Genomic context (GRCh38, chr10:88,939,605, plus strand): 5'-AAACGTTCATTTCCGATGGTGATCACTTGCCCATCAGGCAACTCGTAACTCTTCTCAAGG[G>T]AGGATGAGGATGCGGCAGTGGCCATCTCATTTTCAAAGTCCAGAGCTACATAACACAGTT-3'
Protein context (NP_001604.1, residues 227-247): NEMATAASSS[Ser237Tyr]LEKSYELPDG